The following is an entry in ClinVar:

NM_002691.4(POLD1):c.1295G>C (p.Arg432Pro)

Gene: POLD1 (DNA polymerase delta 1, catalytic subunit; plus strand). Cytogenetic location: 19q13.33.
Variant type: single nucleotide variant.
Coding change: c.1295G>C on transcript NM_002691.4 (MANE Select); coding-DNA position 1295, G replaced by C.
Protein change: p.Arg432Pro; replaces arginine 432 with proline.
Molecular consequence: missense variant. On other transcripts: non-coding transcript variant (1).
Genome position (GRCh38, 1-based): chr19:50,406,234, G>C. VCF-style: chr19-50406234-G-C. GRCh37 (hg19) VCF-style: chr19-50909491-G-C.
Other names: c.1295G>C, p.Arg432Pro (NM_001256849.1, NM_001308632.1); c.1295G>C (NM_002691.2); short protein forms R432P.
Identifiers: ClinVar variation 2813649 (VCV002813649.4), dbSNP rs139557851, ClinGen allele CA406979815.

ClinVar aggregate classification (germline): Uncertain significance. Review status: criteria provided, multiple submitters, no conflicts (2 of 4 stars). 2 submissions from 2 submitters: Uncertain significance (2). Last evaluated 2025-02-18.

Conditions:
Hereditary cancer-predisposing syndrome. Also called: Tumor predisposition; Hereditary Cancer Syndrome; Hereditary neoplastic syndrome; Neoplastic Syndromes, Hereditary. Identifiers: Orphanet 140162, MedGen C0027672, MeSH D009386, MONDO:0015356.
POLD1-related polyposis and colorectal cancer syndrome (CRCS10). Also called: Colorectal cancer 10; Colorectal cancer, susceptibility to, 10; COLORECTAL CANCER, SUSCEPTIBILITY TO, ON CHROMOSOME 19q. Identifiers: Orphanet 220460, MedGen C2675481, MONDO:0012953, OMIM 612591.

Submissions (2):

Ambry Genetics
Classification: Uncertain significance for Hereditary cancer-predisposing syndrome. Last evaluated: 2025-02-18. Review status: criteria provided, single submitter. Criteria: Ambry Variant Classification Scheme 2023. Collection method: clinical testing. Allele origin: germline.
Comment: The p.R432P variant (also known as c.1295G>C), located in coding exon 10 of the POLD1 gene, results from a G to C substitution at nucleotide position 1295. The arginine at codon 432 is replaced by proline, an amino acid with dissimilar properties. This amino acid position is well conserved in available vertebrate species. In addition, this alteration is predicted to be tolerated by in silico analysis. Based on the available evidence, the clinical significance of this variant remains unclear.

Labcorp Genetics (formerly Invitae), Labcorp
Classification: Uncertain significance for POLD1-related polyposis and colorectal cancer syndrome. Last evaluated: 2023-02-14. Review status: criteria provided, single submitter. Criteria: Invitae Variant Classification Sherloc (09022015). Collection method: clinical testing. Allele origin: germline.
Comment: In summary, the available evidence is currently insufficient to determine the role of this variant in disease. Therefore, it has been classified as a Variant of Uncertain Significance. Advanced modeling of protein sequence and biophysical properties (such as structural, functional, and spatial information, amino acid conservation, physicochemical variation, residue mobility, and thermodynamic stability) performed at Invitae indicates that this missense variant is not expected to disrupt POLD1 protein function. This variant has not been reported in the literature in individuals affected with POLD1-related conditions. This variant is not present in population databases (gnomAD no frequency). This sequence change replaces arginine, which is basic and polar, with proline, which is neutral and non-polar, at codon 432 of the POLD1 protein (p.Arg432Pro).